The following is an entry in ClinVar:

ClinVar aggregate classification (germline): Uncertain significance (1 of 4 stars; one submission).

Conditions:
Cerebellar ataxia, brain abnormalities, and cardiac conduction defects. Identifiers: Orphanet 641361, MedGen C5562005, MONDO:0859200, OMIM 619576.

Allele frequency attached by ClinVar (database versions not stated): gnomAD 0.00001; gnomAD exomes 0.00003; ExAC 0.00004; 1000 Genomes Project 30x 0.00016; 1000 Genomes Project 0.00020.
gnomAD v4.1: 27 of 1,613,828 alleles (0.0017%); highest among the groups gnomAD compares: South Asian, 0.029%; no homozygotes.

Submission:

New York Genome Center
Classification: Uncertain significance for Cerebellar ataxia, brain abnormalities, and cardiac conduction defects. Last evaluated: 2022-02-05. Review status: criteria provided, single submitter. Criteria: NYGC Assertion Criteria 2020. Collection method: clinical testing. Allele origin: inherited. Observed: 1 homozygote. Study: CSER-NYCKidSeq.
Comment: The homozygous c.24C>G, p.Asp8Glu missense variant identified in the EXOSC5 gene has not been reported in affected individuals in the literature or in the ClinVar database. The variant has 0.00001314 allele frequency in the gnomAD(v3) database (2 out of 152230 heterozygous alleles, no homozygotes) suggesting it is not a common benign variant in the populations represented in that database. The variant affects a weakly conserved residue and is predicted benign by in silico prediction tools (CADD score = 7.163, REVEL score = 0.012). Based on the available evidence, the homozygous c.24C>G, p.Asp8Glu missense variant identified in the EXOSC5 gene is reported as a Variant of Uncertain Significance.

NM_020158.4(EXOSC5):c.24C>G (p.Asp8Glu)

Gene: EXOSC5 (exosome component 5; minus strand). Cytogenetic location: 19q13.2.
Variant type: single nucleotide variant.
Coding change: c.24C>G on transcript NM_020158.4 (MANE Select); coding-DNA position 24, C replaced by G.
Protein change: p.Asp8Glu; replaces aspartic acid 8 with glutamic acid.
Molecular consequence: missense variant.
Genome position (GRCh38, 1-based): chr19:41,397,305, G>C on the plus strand (C>G on the coding strand, the complement: EXOSC5 is on the minus strand). VCF-style: chr19-41397305-G-C. GRCh37 (hg19) VCF-style: chr19-41903210-G-C.
Other names: short protein forms D8E.
Identifiers: ClinVar variation 1701717 (VCV001701717.1), dbSNP rs547685483, ClinGen allele CA9460922.